The following is an entry in ClinVar:

NM_003803.4(MYOM1):c.35A>G (p.His12Arg)

Gene: MYOM1 (myomesin 1; minus strand). Cytogenetic location: 18p11.31.
Variant type: single nucleotide variant.
Coding change: c.35A>G on transcript NM_003803.4 (MANE Select); coding-DNA position 35, A replaced by G.
Protein change: p.His12Arg; replaces histidine 12 with arginine.
Molecular consequence: missense variant.
Genome position (GRCh38, 1-based): chr18:3,215,189, T>C on the plus strand (A>G on the coding strand, the complement: MYOM1 is on the minus strand). VCF-style: chr18-3215189-T-C. GRCh37 (hg19) VCF-style: chr18-3215187-T-C.
Other names: c.35A>G, p.His12Arg (NM_019856.2); short protein forms H12R.
Identifiers: ClinVar variation 3401865 (VCV003401865.1).

ClinVar aggregate classification (germline): Uncertain significance (1 of 4 stars; one submission).

Submission:

Ambry Genetics
Classification: Uncertain significance. Last evaluated: 2024-11-10. Review status: criteria provided, single submitter. Criteria: Ambry Variant Classification Scheme 2023. Collection method: clinical testing. Allele origin: germline.
Comment: The p.H12R variant (also known as c.35A>G), located in coding exon 1 of the MYOM1 gene, results from an A to G substitution at nucleotide position 35. The histidine at codon 12 is replaced by arginine, an amino acid with highly similar properties. This amino acid position is conserved. In addition, the in silico prediction for this alteration is inconclusive. Based on the available evidence, the clinical significance of this variant remains unclear.